The following is an entry in ClinVar:

NM_004168.4(SDHA):c.351del (p.Asp117fs)

Gene: SDHA (succinate dehydrogenase complex flavoprotein subunit A; plus strand). Cytogenetic location: 5p15.33.
Variant type: Deletion.
Coding change: c.351del on transcript NM_004168.4 (MANE Select); coding-DNA position 351, one base deleted (C; older notation c.351delC).
Protein change: p.Asp117fs; shifts the reading frame from aspartic acid 117.
Molecular consequence: frameshift variant. On other transcripts: intron variant (1).
Genome position (GRCh38, 1-based): chr5:225,457, C deleted. VCF-style (leftmost placement, unchanged base first): chr5-225456-AC-A. GRCh37 (hg19) VCF-style: chr5-225571-AC-A.
Other names: c.351del, p.Asp117fs (NM_001330758.2); c.313-426del (NM_001294332.2); short protein forms D117fs.
Identifiers: ClinVar variation 2945284 (VCV002945284.3), dbSNP rs2477294498, ClinGen allele CA2695204204.

ClinVar aggregate classification (germline): Pathogenic (1 of 4 stars; one submission).

Conditions:
Mitochondrial complex II deficiency, nuclear type 1. Also called: SUCCINATE CoQ REDUCTASE DEFICIENCY. Identifiers: Orphanet 3208, MedGen C5700310, MONDO:0100294, OMIM 252011.
Pheochromocytoma/paraganglioma syndrome 5. Also called: Paragangliomas 5; SDHA-Related Hereditary Paraganglioma-Pheochromocytoma Syndrome. Identifiers: Orphanet 29072, MedGen C3279992, MONDO:0013602, OMIM 614165.

Submission:

Labcorp Genetics (formerly Invitae), Labcorp
Classification: Pathogenic for Pheochromocytoma/paraganglioma syndrome 5; Mitochondrial complex II deficiency, nuclear type 1. Last evaluated: 2023-03-14. Review status: criteria provided, single submitter. Criteria: Invitae Variant Classification Sherloc (09022015). Collection method: clinical testing. Allele origin: germline.
Comment: For these reasons, this variant has been classified as Pathogenic. This variant has not been reported in the literature in individuals affected with SDHA-related conditions. This variant is not present in population databases (gnomAD no frequency). This sequence change creates a premature translational stop signal (p.Asp117Glufs*11) in the SDHA gene. It is expected to result in an absent or disrupted protein product. Loss-of-function variants in SDHA are known to be pathogenic (PMID: 22974104, 24781757).

Literature cited by the submitters: PubMed 22974104; PubMed 24781757.